The following is an entry in ClinVar:

ClinVar aggregate classification (germline): Likely pathogenic (1 of 4 stars; one submission).

Submission:

Labcorp Genetics (formerly Invitae), Labcorp
Classification: Likely pathogenic. Last evaluated: 2026-01-19. Review status: criteria provided, single submitter. Criteria: Invitae Variant Classification Sherloc (09022015). Collection method: clinical testing. Allele origin: germline.
Comment: This sequence change replaces proline, which is neutral and non-polar, with serine, which is neutral and polar, at codon 261 of the ALPL protein (p.Pro261Ser). This variant is present in population databases (no rsID available, gnomAD 0.0009%). This variant has not been reported in the literature in individuals affected with ALPL-related conditions. ClinVar contains an entry for this variant (Variation ID: 3713118). Invitae Evidence Modeling of protein sequence and biophysical properties (such as structural, functional, and spatial information, amino acid conservation, physicochemical variation, residue mobility, and thermodynamic stability) indicates that this missense variant is expected to disrupt ALPL protein function with a positive predictive value of 95%. This variant disrupts the p.Pro261 amino acid residue in ALPL. Other variant(s) that disrupt this residue have been determined to be pathogenic (PMID: 39983296; internal data). This suggests that this residue is clinically significant, and that variants that disrupt this residue are likely to be disease-causing. In summary, the currently available evidence indicates that the variant is pathogenic, but additional data are needed to prove that conclusively. Therefore, this variant has been classified as Likely Pathogenic.

Literature cited by the submitters: PubMed 39983296.

NM_000478.6(ALPL):c.781C>T (p.Pro261Ser)

Gene: ALPL (alkaline phosphatase, biomineralization associated; plus strand). Cytogenetic location: 1p36.12.
Variant type: single nucleotide variant.
Coding change: c.781C>T on transcript NM_000478.6 (MANE Select); coding-DNA position 781, C replaced by T.
Protein change: p.Pro261Ser; replaces proline 261 with serine.
Molecular consequence: missense variant.
Genome position (GRCh38, 1-based): chr1:21,568,236, C>T. VCF-style: chr1-21568236-C-T. GRCh37 (hg19) VCF-style: chr1-21894729-C-T.
Other names: c.616C>T, p.Pro206Ser (NM_001127501.4); c.550C>T, p.Pro184Ser (NM_001177520.3); c.781C>T, p.Pro261Ser (NM_001369803.2, NM_001369804.2, NM_001369805.2); short protein forms P206S, P184S, P261S.
Identifiers: ClinVar variation 3713118 (VCV003713118.2).